The following is an entry in ClinVar:

NM_001134407.3(GRIN2A):c.3568C>T (p.His1190Tyr)

Gene: GRIN2A (glutamate ionotropic receptor NMDA type subunit 2A; minus strand). Cytogenetic location: 16p13.2.
Variant type: single nucleotide variant.
Coding change: c.3568C>T on transcript NM_001134407.3 (MANE Select); coding-DNA position 3568, C replaced by T.
Protein change: p.His1190Tyr; replaces histidine 1190 with tyrosine.
Molecular consequence: missense variant.
Genome position (GRCh38, 1-based): chr16:9,763,976, G>A on the plus strand (C>T on the coding strand, the complement: GRIN2A is on the minus strand). VCF-style: chr16-9763976-G-A. GRCh37 (hg19) VCF-style: chr16-9857833-G-A.
Other names: c.3568C>T, p.His1190Tyr (NM_000833.5, NM_001134408.2); short protein forms H1190Y.
Identifiers: ClinVar variation 1732757 (VCV001732757.2), dbSNP rs765522252, ClinGen allele CA7896288.

ClinVar aggregate classification (germline): Uncertain significance (1 of 4 stars; one submission).

Conditions:
Inborn genetic diseases. Identifiers: MedGen C0950123, MeSH D030342.

Allele frequency attached by ClinVar (database versions not stated): gnomAD exomes 0.00001; ExAC 0.00002.
gnomAD v4.1: 5 of 1,614,144 alleles (0.00031%); highest among the groups gnomAD compares: Non-Finnish European, 0.00042%; no homozygotes.

Submission:

Ambry Genetics
Classification: Uncertain significance for Inborn genetic diseases. Last evaluated: 2018-03-20. Review status: criteria provided, single submitter. Criteria: Ambry Variant Classification Scheme 2023. Collection method: clinical testing. Allele origin: germline.
Comment: The p.H1190Y variant (also known as c.3568C>T), located in coding exon 12 of the GRIN2A gene, results from a C to T substitution at nucleotide position 3568. The histidine at codon 1190 is replaced by tyrosine, an amino acid with similar properties. This amino acid position is highly conserved in available vertebrate species. In addition, the in silico prediction for this alteration is inconclusive. Since supporting evidence is limited at this time, the clinical significance of this alteration remains unclear.